The following is an entry in ClinVar:

ClinVar aggregate classification (germline): Uncertain significance (1 of 4 stars; one submission).

Conditions:
Familial thoracic aortic aneurysm and aortic dissection (TAAD). Also called: Thoracic aortic aneurysms and dissections. Identifiers: Orphanet 91387, MedGen C4707243, MONDO:0019625.

Allele frequency attached by ClinVar (database versions not stated): ExAC 0.00002.
gnomAD v4.1: 3 of 1,614,034 alleles (0.00019%); highest among the groups gnomAD compares: Non-Finnish European, 0.00025%; no homozygotes.

Submission:

Ambry Genetics
Classification: Uncertain significance for Familial thoracic aortic aneurysm and aortic dissection. Last evaluated: 2021-10-29. Review status: criteria provided, single submitter. Criteria: Ambry Variant Classification Scheme 2023. Collection method: clinical testing. Allele origin: germline.
Comment: The p.V119A variant (also known as c.356T>C), located in coding exon 2 of the MYLK gene, results from a T to C substitution at nucleotide position 356. The valine at codon 119 is replaced by alanine, an amino acid with similar properties. This amino acid position is conserved. In addition, this alteration is predicted to be tolerated by in silico analysis. Since supporting evidence is limited at this time, the clinical significance of this alteration remains unclear.

NM_053025.4(MYLK):c.356T>C (p.Val119Ala)

Gene: MYLK (myosin light chain kinase; minus strand). Cytogenetic location: 3q21.1.
Variant type: single nucleotide variant.
Coding change: c.356T>C on transcript NM_053025.4 (MANE Select); coding-DNA position 356, T replaced by C.
Protein change: p.Val119Ala; replaces valine 119 with alanine.
Molecular consequence: missense variant. On other transcripts: intron variant (1).
Genome position (GRCh38, 1-based): chr3:123,752,348, A>G on the plus strand (T>C on the coding strand, the complement: MYLK is on the minus strand). VCF-style: chr3-123752348-A-G. GRCh37 (hg19) VCF-style: chr3-123471195-A-G.
Other names: c.356T>C, p.Val119Ala (NM_053026.4, NM_053027.4, NM_053028.4); c.-155-12347T>C (NM_001321309.2); short protein forms V119A.
Identifiers: ClinVar variation 1732786 (VCV001732786.2), dbSNP rs774918942, ClinGen allele CA070192.
Genomic context (GRCh38, chr3:123,752,348, plus strand): 5'-GAGAGCTCAGCTCCCTCCTGGACTCGGGCCTCCTGGGACTCACCTTCTACTGTCAACTCC[A>G]CTGTCACCTGGCGAGCACCACTGCCATTGGTGGCTTCACAGGTATACTTTCCCCTGTCCT-3'
Protein context (NP_444253.3, residues 109-129): TNGSGARQVT[Val119Ala]ELTVEGSFAK